The following is an entry in ClinVar:

ClinVar aggregate classification (germline): Uncertain significance (1 of 4 stars; one submission).

Conditions:
WDFY3-related disorder.

Submission:

PreventionGenetics, part of Exact Sciences
Classification: Uncertain significance for WDFY3-related condition. Last evaluated: 2022-10-07. Review status: criteria provided, single submitter. Criteria: ACMG Guidelines, 2015. Collection method: clinical testing. Allele origin: germline.
Comment: The WDFY3 c.8492C>T variant is predicted to result in the amino acid substitution p.Ala2831Val. To our knowledge, this variant has not been reported in the literature or in a large population database, indicating this variant is rare. At this time, the clinical significance of this variant is uncertain due to the absence of conclusive functional and genetic evidence.

NM_014991.6(WDFY3):c.8492C>T (p.Ala2831Val)

Gene: WDFY3 (WD repeat and FYVE domain containing 3; minus strand). Cytogenetic location: 4q21.23.
Variant type: single nucleotide variant.
Coding change: c.8492C>T on transcript NM_014991.6 (MANE Select); coding-DNA position 8492, C replaced by T.
Protein change: p.Ala2831Val; replaces alanine 2831 with valine.
Molecular consequence: missense variant.
Genome position (GRCh38, 1-based): chr4:84,702,457, G>A on the plus strand (C>T on the coding strand, the complement: WDFY3 is on the minus strand). VCF-style: chr4-84702457-G-A. GRCh37 (hg19) VCF-style: chr4-85623610-G-A.
Other names: short protein forms A2831V.
Identifiers: ClinVar variation 2637386 (VCV002637386.1), dbSNP rs2531086479, ClinGen allele CA357539368.